The following is an entry in ClinVar:

NM_000215.4(JAK3):c.1561C>G (p.Leu521Val)

Gene: JAK3 (Janus kinase 3; minus strand). Cytogenetic location: 19p13.11.
Variant type: single nucleotide variant.
Coding change: c.1561C>G on transcript NM_000215.4 (MANE Select); coding-DNA position 1561, C replaced by G.
Protein change: p.Leu521Val; replaces leucine 521 with valine.
Molecular consequence: missense variant.
Genome position (GRCh38, 1-based): chr19:17,838,271, G>C on the plus strand (C>G on the coding strand, the complement: JAK3 is on the minus strand). VCF-style: chr19-17838271-G-C. GRCh37 (hg19) VCF-style: chr19-17949080-G-C.
Other names: short protein forms L521V.
Identifiers: ClinVar variation 134566 (VCV000134566.9), dbSNP rs55666418, ClinGen allele CA160204.
Genomic context (GRCh38, chr19:17,838,271, plus strand): 5'-GAGTCTCTGGACCCCAGACTGAGGTATCGCCTCATTTCCCAGGGCCTCTTACCCACTCCA[G>C]GCTGTCAGCAGGGATCTTGTGAAATGTCATCTGACTCAGCTGGTATTGGGATTGGGGCTG-3'
Protein context (NP_000206.2, residues 511-531): MTFHKIPADS[Leu521Val]EWHENLGHGS

ClinVar aggregate classification (germline): Uncertain significance. Review status: criteria provided, multiple submitters, no conflicts (2 of 4 stars). 3 submissions from 3 submitters: Uncertain significance (2). 1 of the submissions does not count toward it. Last evaluated 2025-11-25.

Conditions:
Inborn genetic diseases. Identifiers: MedGen C0950123, MeSH D030342.
T-B+ severe combined immunodeficiency due to JAK3 deficiency. Also called: SCID, T CELL-NEGATIVE, B CELL-POSITIVE, NK CELL-NEGATIVE; SCID, autosomal recessive, T-negative/B-positive type. Identifiers: Orphanet 35078, MedGen C1833275, MONDO:0010938, OMIM 600802.

Allele frequency attached by ClinVar (database versions not stated): gnomAD 0.00004; gnomAD exomes 0.00007; ExAC 0.00009; TOPMed 0.00009.
gnomAD v4.1: 103 of 1,613,992 alleles (0.0064%); highest among the groups gnomAD compares: Non-Finnish European, 0.0082%; no homozygotes.

Submissions (3):

Ambry Genetics
Classification: Uncertain significance for Inborn genetic diseases. Last evaluated: 2025-11-25. Review status: criteria provided, single submitter. Criteria: Ambry Variant Classification Scheme 2023. Collection method: clinical testing. Allele origin: germline.

Labcorp Genetics (formerly Invitae), Labcorp
Classification: Uncertain significance for T-B+ severe combined immunodeficiency due to JAK3 deficiency. Last evaluated: 2022-05-04. Review status: criteria provided, single submitter. Criteria: Invitae Variant Classification Sherloc (09022015). Collection method: clinical testing. Allele origin: germline.
Comment: This sequence change replaces leucine, which is neutral and non-polar, with valine, which is neutral and non-polar, at codon 521 of the JAK3 protein (p.Leu521Val). The frequency data for this variant in the population databases is considered unreliable, as metrics indicate poor data quality at this position in the gnomAD database. This variant has not been reported in the literature in individuals affected with JAK3-related conditions. ClinVar contains an entry for this variant (Variation ID: 134566). Advanced modeling of protein sequence and biophysical properties (such as structural, functional, and spatial information, amino acid conservation, physicochemical variation, residue mobility, and thermodynamic stability) performed at Invitae indicates that this missense variant is not expected to disrupt JAK3 protein function. In summary, the available evidence is currently insufficient to determine the role of this variant in disease. Therefore, it has been classified as a Variant of Uncertain Significance.

ITMI
No classification provided. Condition: AllHighlyPenetrant. Last evaluated: 2013-09-19. Review status: no classification provided. Collection method: reference population. Allele origin: germline. Not counted in ClinVar's aggregate classification.
Comment: Please see associated publication for description of ethnicities

Literature cited by the submitters: PubMed 24728327 (cited by ITMI).